The following is an entry in ClinVar:

NM_000168.6(GLI3):c.4317C>A (p.Tyr1439Ter)

Gene: GLI3 (GLI family zinc finger 3; minus strand). Cytogenetic location: 7p14.1.
Variant type: single nucleotide variant.
Coding change: c.4317C>A on transcript NM_000168.6 (MANE Select); coding-DNA position 4317, C replaced by A.
Protein change: p.Tyr1439Ter; replaces tyrosine 1439 with a stop codon.
Molecular consequence: nonsense.
Genome position (GRCh38, 1-based): chr7:41,964,756, G>T on the plus strand (C>A on the coding strand, the complement: GLI3 is on the minus strand). VCF-style: chr7-41964756-G-T. GRCh37 (hg19) VCF-style: chr7-42004354-G-T.
Other names: short protein forms Y1439*.
Identifiers: ClinVar variation 620204 (VCV000620204.1), dbSNP rs1562656975, ClinGen allele CA367315289.

ClinVar aggregate classification (germline): Likely pathogenic (1 of 4 stars; one submission).

Submission:

GeneDx
Classification: Likely pathogenic. Last evaluated: 2018-05-31. Review status: criteria provided, single submitter. Criteria: GeneDx Variant Classification (06012015). Collection method: clinical testing. Allele origin: germline. Affected: yes.
Comment: The Y1439X variant in the GLI3 gene has not been reported previously as a pathogenic variant nor as a benign variant, to our knowledge. This variant is predicted to cause loss of normal protein function through protein truncation, as the last 142 amino acids of the protein are lost. The Y1439X variant is not observed in large population cohorts (Lek et al., 2016). We interpret Y1439X as a likely pathogenic variant.